The following is an entry in ClinVar:

NM_001943.5(DSG2):c.2840C>T (p.Pro947Leu)

Genes: DSG2 (desmoglein 2; plus strand), DSG2-AS1 (DSG2 antisense RNA 1; minus strand). Cytogenetic location: 18q12.1.
Variant type: single nucleotide variant.
Coding change: c.2840C>T on transcript NM_001943.5 (MANE Select); coding-DNA position 2840, C replaced by T.
Protein change: p.Pro947Leu; replaces proline 947 with leucine.
Molecular consequence: missense variant.
Genome position (GRCh38, 1-based): chr18:31,546,226, C>T. VCF-style: chr18-31546226-C-T. GRCh37 (hg19) VCF-style: chr18-29126189-C-T.
Other names: short protein forms P947L.
Identifiers: ClinVar variation 1433189 (VCV001433189.6), dbSNP rs2144360381, ClinGen allele CA402147088.
Genomic context (GRCh38, chr18:31,546,226, plus strand): 5'-CAATGGCTTCTAGAAATGTGATAGCAACAGAAACTTCCTATGTCACAGGGTCCACTATGC[C>T]ACCAACCACTGTGATCCTGGGTCCTAGCCAGCCACAGAGCCTTATTGTGACAGAGAGGGT-3'
Protein context (NP_001934.2, residues 937-957): ETSYVTGSTM[Pro947Leu]PTTVILGPSQ

ClinVar aggregate classification (germline): Uncertain significance (1 of 4 stars; one submission).

Conditions:
Arrhythmogenic right ventricular dysplasia 10. Also called: Arrhythmogenic Right Ventricular Dysplasia/Cardiomyopathy10; Arrhythmogenic right ventricular dysplasia/cardiomyopathy, type 10; ARRHYTHMOGENIC RIGHT VENTRICULAR DYSPLASIA, FAMILIAL, 10. Identifiers: MedGen C1857777, MONDO:0012434, OMIM 610193.

Submission:

Labcorp Genetics (formerly Invitae), Labcorp
Classification: Uncertain significance for Arrhythmogenic right ventricular dysplasia 10. Last evaluated: 2021-10-21. Review status: criteria provided, single submitter. Criteria: Invitae Variant Classification Sherloc (09022015). Collection method: clinical testing. Allele origin: germline.
Comment: This variant has not been reported in the literature in individuals affected with DSG2-related conditions. In summary, the available evidence is currently insufficient to determine the role of this variant in disease. Therefore, it has been classified as a Variant of Uncertain Significance. Algorithms developed to predict the effect of missense changes on protein structure and function are either unavailable or do not agree on the potential impact of this missense change (SIFT: "Tolerated"; PolyPhen-2: "Possibly Damaging"; Align-GVGD: "Class C0"). This variant is not present in population databases (ExAC no frequency). This sequence change replaces proline with leucine at codon 947 of the DSG2 protein (p.Pro947Leu). The proline residue is moderately conserved and there is a moderate physicochemical difference between proline and leucine.